The following is an entry in ClinVar:

NM_000081.4(LYST):c.10203A>G (p.Glu3401=)

Gene: LYST (lysosomal trafficking regulator; minus strand). Cytogenetic location: 1q42.3.
Variant type: single nucleotide variant.
Coding change: c.10203A>G on transcript NM_000081.4 (MANE Select); coding-DNA position 10203, A replaced by G.
Protein change: p.Glu3401=; no amino-acid change (glutamic acid 3401 retained).
Molecular consequence: synonymous variant.
Genome position (GRCh38, 1-based): chr1:235,702,918, T>C on the plus strand (A>G on the coding strand, the complement: LYST is on the minus strand). VCF-style: chr1-235702918-T-C. GRCh37 (hg19) VCF-style: chr1-235866218-T-C.
Other names: c.10203A>G, p.Glu3401= (NM_001301365.1); c.10203A>G (NM_000081.3).
Identifiers: ClinVar variation 1559657 (VCV001559657.9), dbSNP rs899868994, ClinGen allele CA39591356.

ClinVar aggregate classification (germline): Likely benign. Review status: criteria provided, single submitter (1 of 4 stars). 2 submissions from 2 submitters: Likely benign (1). 1 of the submissions does not count toward it. Last evaluated 2025-09-13.

Conditions:
LYST-related disorder. Also called: LYST-related condition.
Chédiak-Higashi syndrome (CHS). Also called: Chediak-Higashi Syndrome. Identifiers: Orphanet 167, MedGen C0007965, MONDO:0008963, OMIM 214500.

Allele frequency attached by ClinVar (database versions not stated): gnomAD 0.00001; gnomAD exomes 0.00002; TOPMed 0.00002.
gnomAD v4.1: 30 of 1,614,060 alleles (0.0019%); highest among the groups gnomAD compares: Non-Finnish European, 0.0025%; no homozygotes.

Submissions (2):

Labcorp Genetics (formerly Invitae), Labcorp
Classification: Likely benign for Chédiak-Higashi syndrome. Last evaluated: 2025-09-13. Review status: criteria provided, single submitter. Criteria: Invitae Variant Classification Sherloc (09022015). Collection method: clinical testing. Allele origin: germline.

PreventionGenetics, part of Exact Sciences
Classification: Likely benign for LYST-related condition. Last evaluated: 2021-06-02. Review status: no assertion criteria provided. Collection method: clinical testing. Allele origin: germline. Not counted in ClinVar's aggregate classification.
Comment: This variant is classified as likely benign based on ACMG/AMP sequence variant interpretation guidelines (Richards et al. 2015 PMID: 25741868, with internal and published modifications).